The following is an entry in ClinVar:

ClinVar aggregate classification (germline): Uncertain significance (1 of 4 stars; one submission).

Allele frequency attached by ClinVar (database versions not stated): gnomAD exomes below 0.00001.

Submission:

CeGaT Center for Human Genetics Tuebingen
Classification: Uncertain significance. Last evaluated: 2024-01-01. Review status: criteria provided, single submitter. Criteria: CeGaT Center For Human Genetics Tuebingen Variant Classification Criteria Version 2. Collection method: clinical testing. Allele origin: germline. Affected: yes. Observed: 1 variant allele.
Comment: MYH9: PM2, BP4

NM_002473.6(MYH9):c.869-4dup

Gene: MYH9 (myosin heavy chain 9; minus strand). Cytogenetic location: 22q12.3.
Variant type: Duplication.
Coding change: c.869-4dup on transcript NM_002473.6 (MANE Select); 4 bases into the intron before coding-DNA position 869, one base duplicated (A; older notation c.869-4dupA).
Molecular consequence: intron variant.
Genome position (GRCh38, 1-based): chr22:36,320,367, T duplicated on the plus strand (A on the coding strand, the reverse complement: MYH9 is on the minus strand). VCF-style (leftmost placement, unchanged base first): chr22-36320366-G-GT. GRCh37 (hg19) VCF-style: chr22-36716411-G-GT.
Identifiers: ClinVar variation 3026776 (VCV003026776.22), dbSNP rs2517994051, ClinGen allele CA2656434829.
Genomic context (GRCh38, chr22:36,320,366, plus strand): 5'-GTGACGTGTCCATTGGACAGGAAGCGGTATTTGTTGTACGGCTCCAACAGGAGATCGGCT[G>GT]TAAGGGGTGGAGGGCAAGGGCGCCTCAGCGAGGTGCTGAAAGTGGAGGCTCCATCAGCGC-3'